The following is an entry in ClinVar:

NM_001846.4(COL4A2):c.4578G>A (p.Ala1526=)

Genes: COL4A2 (collagen type IV alpha 2 chain; plus strand), COL4A2-AS1 (COL4A2 antisense RNA 1; minus strand). Cytogenetic location: 13q34.
Variant type: single nucleotide variant.
Coding change: c.4578G>A on transcript NM_001846.4 (MANE Select); coding-DNA position 4578, G replaced by A.
Protein change: p.Ala1526=; no amino-acid change (alanine 1526 retained).
Molecular consequence: synonymous variant.
Genome position (GRCh38, 1-based): chr13:110,506,590, G>A. VCF-style: chr13-110506590-G-A. GRCh37 (hg19) VCF-style: chr13-111158937-G-A.
Other names: p.Ala1526=.
Identifiers: ClinVar variation 311182 (VCV000311182.46), dbSNP rs186888528, ClinGen allele CA7050578.

ClinVar aggregate classification (germline): Benign/Likely benign. Review status: criteria provided, multiple submitters, no conflicts (2 of 4 stars). 9 submissions from 9 submitters: Benign (4); Likely benign (2). 3 of the submissions do not count toward it. Last evaluated 2026-07-01.

Conditions:
COL4A2-related disorder. Also called: COL4A2-related disorders; COL4A2-related condition.
Brain small vessel disease 2A, autosomal dominant. Also called: Porencephaly 2. Identifiers: Orphanet 2940, Orphanet 99810, MedGen C3280970, MONDO:0013773, OMIM 614483.

Allele frequency attached by ClinVar (database versions not stated): ESP Exome Variant Server 0.00064; gnomAD exomes 0.00125 and 0.00132; ExAC 0.00129; gnomAD 0.00131 and 0.00133; TOPMed 0.00205; 1000 Genomes Project 0.00240; 1000 Genomes Project 30x 0.00281.
gnomAD v4.1: 2,035 of 1,611,350 alleles (0.13%); highest among the groups gnomAD compares: Admixed American, 0.58%; 6 homozygotes.

Submissions (9):

CeGaT Center for Human Genetics Tuebingen
Classification: Likely benign. Last evaluated: 2026-07-01. Review status: criteria provided, single submitter. Criteria: CeGaT Center For Human Genetics Tuebingen Variant Classification Criteria Version 2. Collection method: clinical testing. Allele origin: germline. Affected: yes. Observed: 7 variant alleles.
Comment: COL4A2: BP4, BP7

Labcorp Genetics (formerly Invitae), Labcorp
Classification: Benign. Last evaluated: 2026-01-27. Review status: criteria provided, single submitter. Criteria: Invitae Variant Classification Sherloc (09022015). Collection method: clinical testing. Allele origin: germline.

Blueprint Genetics
Classification: Likely benign. Last evaluated: 2024-11-21. Review status: criteria provided, single submitter. Criteria: ACMG Guidelines, 2015. Collection method: clinical testing. Allele origin: germline.

Mayo Clinic Laboratories, Mayo Clinic
Classification: Benign. Last evaluated: 2023-07-12. Review status: criteria provided, single submitter. Criteria: ACMG Guidelines, 2015. Collection method: clinical testing. Allele origin: germline. Observed: 3 variant alleles.
Comment: BS1, BS2, BP4, BP7

Illumina Laboratory Services, Illumina
Classification: Benign for Brain small vessel disease 2A, autosomal dominant. Last evaluated: 2018-01-12. Review status: criteria provided, single submitter. Criteria: ICSL Variant Classification Criteria 13 December 2019. Collection method: clinical testing. Allele origin: germline.
Comment: This variant was observed in the ICSL laboratory as part of a predisposition screen in an ostensibly healthy population. It had not been previously curated by ICSL or reported in the Human Gene Mutation Database (HGMD: prior to June 1st, 2018), and was therefore a candidate for classification through an automated scoring system. Utilizing variant allele frequency, disease prevalence and penetrance estimates, and inheritance mode, an automated score was calculated to assess if this variant is too frequent to cause the disease. Based on the score and internal cut-off values, a variant classified as benign is not then subjected to further curation. The score for this variant resulted in a classification of benign for this disease.

Breakthrough Genomics
Classification: Benign. Review status: criteria provided, single submitter. Criteria: ACMG Guidelines, 2015. Collection method: not provided. Allele origin: germline. Inheritance: Autosomal dominant inheritance. Affected: yes.

PreventionGenetics, part of Exact Sciences
Classification: Likely benign for COL4A2-related condition. Last evaluated: 2019-10-21. Review status: no assertion criteria provided. Collection method: clinical testing. Allele origin: germline. Not counted in ClinVar's aggregate classification.
Comment: This variant is classified as likely benign based on ACMG/AMP sequence variant interpretation guidelines (Richards et al. 2015 PMID: 25741868, with internal and published modifications).

Clinical Genetics DNA and cytogenetics Diagnostics Lab, Erasmus MC, Erasmus Medical Center
Classification: Likely benign. Review status: no assertion criteria provided. Collection method: clinical testing. Allele origin: germline. Affected: yes. Study: VKGL Data-share Consensus. Not counted in ClinVar's aggregate classification.

Diagnostic Laboratory, Department of Genetics, University Medical Center Groningen
Classification: Likely benign. Review status: no assertion criteria provided. Collection method: clinical testing. Allele origin: germline. Affected: yes. Study: VKGL Data-share Consensus. Not counted in ClinVar's aggregate classification.